The following is an entry in ClinVar:

NM_001142864.4(PIEZO1):c.2914C>T (p.Arg972Cys)

Genes: PIEZO1 (piezo type mechanosensitive ion channel component 1 (Er blood group); minus strand), HSALR1 (HSP90AB1 associated lncRNA 1; plus strand). Cytogenetic location: 16q24.3.
Variant type: single nucleotide variant.
Coding change: c.2914C>T on transcript NM_001142864.4 (MANE Select); coding-DNA position 2914, C replaced by T.
Protein change: p.Arg972Cys; replaces arginine 972 with cysteine.
Molecular consequence: missense variant.
Genome position (GRCh38, 1-based): chr16:88,732,412, G>A on the plus strand (C>T on the coding strand, the complement: PIEZO1 is on the minus strand). VCF-style: chr16-88732412-G-A. GRCh37 (hg19) VCF-style: chr16-88798820-G-A.
Other names: p.Arg972Cys; c.2914C>T (NM_001142864.3); c.1456C>T, p.Arg486Cys (NM_014745.1); short protein forms R486C, R972C.
Identifiers: ClinVar variation 2683398 (VCV002683398.4), dbSNP rs756067217, ClinGen allele CA8232673.

ClinVar aggregate classification (germline): Conflicting classifications of pathogenicity. Review status: criteria provided, conflicting classifications (1 of 4 stars). 4 submissions from 4 submitters: Uncertain significance (3); Benign (1). Last evaluated 2025-10-14.

Conditions:
PIEZO1-related disorder. Also called: PIEZO1-related condition; PIEZO1-Related Disorders.

Allele frequency attached by ClinVar (database versions not stated): gnomAD 0.00005; TOPMed 0.00008; ExAC 0.00021.
gnomAD v4.1: 108 of 1,549,662 alleles (0.007%); highest among the groups gnomAD compares: Admixed American, 0.027%; 1 homozygote.

Submissions (4):

Labcorp Genetics (formerly Invitae), Labcorp
Classification: Benign. Last evaluated: 2025-10-14. Review status: criteria provided, single submitter. Criteria: Invitae Variant Classification Sherloc (09022015). Collection method: clinical testing. Allele origin: germline.

PreventionGenetics, part of Exact Sciences
Classification: Uncertain significance for PIEZO1-related condition. Last evaluated: 2025-07-08. Review status: criteria provided, single submitter. Criteria: ACMG Guidelines, 2015. Collection method: clinical testing. Allele origin: germline.
Comment: The PIEZO1 c.2914C>T variant is predicted to result in the amino acid substitution p.Arg972Cys. To our knowledge, this variant has not been reported in the literature. This variant is reported in 0.035% of alleles in individuals of Latino descent in gnomAD. At this time, the clinical significance of this variant is uncertain due to the absence of conclusive functional and genetic evidence.

Revvity Omics, Revvity
Classification: Uncertain significance. Last evaluated: 2024-02-13. Review status: criteria provided, single submitter. Criteria: ACMG Guidelines, 2015. Collection method: clinical testing. Allele origin: germline.

Mayo Clinic Laboratories, Mayo Clinic
Classification: Uncertain significance. Last evaluated: 2022-09-27. Review status: criteria provided, single submitter. Criteria: ACMG Guidelines, 2015. Collection method: clinical testing. Allele origin: germline. Observed: 1 variant allele.
Comment: BS2